The following is an entry in ClinVar:

NM_003072.5(SMARCA4):c.1915C>G (p.Leu639Val)

Gene: SMARCA4 (SWI/SNF related BAF chromatin remodeling complex subunit ATPase 4; plus strand). Cytogenetic location: 19p13.2.
Variant type: single nucleotide variant.
Coding change: c.1915C>G on transcript NM_003072.5 (MANE Select); coding-DNA position 1915, C replaced by G.
Protein change: p.Leu639Val; replaces leucine 639 with valine.
Molecular consequence: missense variant. On other transcripts: non-coding transcript variant (1).
Genome position (GRCh38, 1-based): chr19:11,003,131, C>G. VCF-style: chr19-11003131-C-G. GRCh37 (hg19) VCF-style: chr19-11113807-C-G.
Other names: c.1915C>G, p.Leu639Val (NM_001128844.3, NM_001128845.2, NM_001128846.2 and 5 more transcripts); short protein forms L639V.
Identifiers: ClinVar variation 135247 (VCV000135247.19), dbSNP rs587778680, ClinGen allele CA162139.

ClinVar aggregate classification (germline): Conflicting classifications of pathogenicity. Review status: criteria provided, conflicting classifications (1 of 4 stars). 5 submissions from 5 submitters: Uncertain significance (3); Likely benign (1). 1 of the submissions does not count toward it. Last evaluated 2025-09-28.

Conditions:
Hereditary cancer-predisposing syndrome. Also called: Tumor predisposition; Hereditary neoplastic syndrome; Neoplastic Syndromes, Hereditary; Hereditary Cancer Syndrome. Identifiers: Orphanet 140162, MedGen C0027672, MeSH D009386, MONDO:0015356.
Intellectual disability, autosomal dominant 16 (CSS4). Also called: COFFIN-SIRIS SYNDROME 4. Identifiers: Orphanet 1465, MedGen C3553249, MONDO:0013821, OMIM 614609.
Rhabdoid tumor predisposition syndrome 2 (RTPS2). Identifiers: Orphanet 231108, Orphanet 69077, MedGen C2750074, MONDO:0013224, OMIM 613325.

Allele frequency attached by ClinVar (database versions not stated): gnomAD exomes below 0.00001 and 0.00001; gnomAD 0.00001 and 0.00002; TOPMed 0.00002.
gnomAD v4.1: 11 of 1,614,046 alleles (0.00068%); highest among the groups gnomAD compares: African/African-American, 0.0013%; no homozygotes.

Submissions (5):

Labcorp Genetics (formerly Invitae), Labcorp
Classification: Uncertain significance for Rhabdoid tumor predisposition syndrome 2. Last evaluated: 2025-09-28. Review status: criteria provided, single submitter. Criteria: Invitae Variant Classification Sherloc (09022015). Collection method: clinical testing. Allele origin: germline.
Comment: This sequence change replaces leucine, which is neutral and non-polar, with valine, which is neutral and non-polar, at codon 639 of the SMARCA4 protein (p.Leu639Val). This variant is present in population databases (rs587778680, gnomAD 0.007%). This variant has not been reported in the literature in individuals affected with SMARCA4-related conditions. ClinVar contains an entry for this variant (Variation ID: 135247). Invitae Evidence Modeling of protein sequence and biophysical properties (such as structural, functional, and spatial information, amino acid conservation, physicochemical variation, residue mobility, and thermodynamic stability) has been performed for this missense variant. However, the output from this modeling did not meet the statistical confidence thresholds required to predict the impact of this variant on SMARCA4 protein function. In summary, the available evidence is currently insufficient to determine the role of this variant in disease. Therefore, it has been classified as a Variant of Uncertain Significance.

Ambry Genetics
Classification: Likely benign for Hereditary cancer-predisposing syndrome. Last evaluated: 2024-09-05. Review status: criteria provided, single submitter. Criteria: Ambry Variant Classification Scheme 2023. Collection method: clinical testing. Allele origin: germline.

Baylor Genetics
Classification: Uncertain significance for Rhabdoid tumor predisposition syndrome 2. Last evaluated: 2023-05-08. Review status: criteria provided, single submitter. Criteria: ACMG Guidelines, 2015. Collection method: clinical testing. Allele origin: unknown.

Genome-Nilou Lab
Classification: Uncertain significance for Intellectual disability, autosomal dominant 16. Last evaluated: 2021-07-15. Review status: criteria provided, single submitter. Criteria: ACMG Guidelines, 2015. Collection method: clinical testing. Allele origin: germline. Affected: no.

ITMI
No classification provided. Condition: AllHighlyPenetrant. Last evaluated: 2013-09-19. Review status: no classification provided. Collection method: reference population. Allele origin: germline. Not counted in ClinVar's aggregate classification.
Comment: Please see associated publication for description of ethnicities

Literature cited by the submitters: PubMed 24728327 (cited by Ambry Genetics and ITMI).